The following is an entry in ClinVar:

NM_000277.3(PAH):c.566C>G (p.Thr189Arg)

Gene: PAH (phenylalanine hydroxylase; minus strand). Cytogenetic location: 12q23.2.
Variant type: single nucleotide variant.
Coding change: c.566C>G on transcript NM_000277.3 (MANE Select); coding-DNA position 566, C replaced by G.
Protein change: p.Thr189Arg; replaces threonine 189 with arginine.
Molecular consequence: missense variant.
Genome position (GRCh38, 1-based): chr12:102,855,276, G>C on the plus strand (C>G on the coding strand, the complement: PAH is on the minus strand). VCF-style: chr12-102855276-G-C. GRCh37 (hg19) VCF-style: chr12-103249054-G-C.
Other names: c.566C>G, p.Thr189Arg (NM_001354304.2); short protein forms T189R.
Identifiers: ClinVar variation 451812 (VCV000451812.1), dbSNP rs1555204728, ClinGen allele CA386296823.

ClinVar aggregate classification (germline): Uncertain significance (1 of 4 stars; one submission).

Submission:

GeneDx
Classification: Uncertain significance. Last evaluated: 2017-09-13. Review status: criteria provided, single submitter. Criteria: GeneDx Variant Classification (06012015). Collection method: clinical testing. Allele origin: germline. Affected: yes.
Comment: The T189R variant in the PAH gene has not been reported previously as a pathogenic variant, nor as a benign variant, to our knowledge. The T189R variant is not observed in large population cohorts (Lek et al., 2016; 1000 Genomes Consortium et al., 2015; Exome Variant Server). The T189R variant is a semi-conservative amino acid substitution, which may impact secondary protein structure as these residues differ in some properties. However, this substitution occurs at a position that is not conserved, and in silico analysis is inconsistent in its predictions as to whether or not the variant is damaging to the protein structure/function. Missense variants in nearby residues (W187R, W187C, G188D, V190A, V190G, T193I) have been reported in the Human Gene Mutation Database in association with PAH-related disorders (Stenson et al., 2014), supporting the functional importance of this region of the protein. We interpret T189R as a variant of uncertain significance.